The following is an entry in ClinVar:

ClinVar aggregate classification (germline): Conflicting classifications of pathogenicity. Review status: criteria provided, conflicting classifications (1 of 4 stars). 5 submissions from 5 submitters: Likely pathogenic (1); Uncertain significance (3). 1 of the submissions does not count toward it. Last evaluated 2025-07-14.

Conditions:
Hereditary spherocytosis type 3. Also called: Spherocytosis type 3; SPTA1-Related Spherocytosis. Identifiers: Orphanet 822, MedGen C2678338, MONDO:0010053, OMIM 270970.
Pyropoikilocytosis, hereditary. Also called: Pyropoikilocytosis. Identifiers: MedGen C0520739, MONDO:0009948, OMIM 266140, HP:0004839. Disease mechanism: loss of function.

Allele frequency attached by ClinVar (database versions not stated): TOPMed 0.00001.
gnomAD v4.1: 10 of 1,613,980 alleles (0.00062%); highest among the groups gnomAD compares: Middle Eastern, 0.016%; no homozygotes.

Submissions (5):

Labcorp Genetics (formerly Invitae), Labcorp
Classification: Uncertain significance. Last evaluated: 2025-07-14. Review status: criteria provided, single submitter. Criteria: Invitae Variant Classification Sherloc (09022015). Collection method: clinical testing. Allele origin: germline.
Comment: This sequence change replaces histidine, which is basic and polar, with aspartic acid, which is acidic and polar, at codon 1755 of the SPTA1 protein (p.His1755Asp). This variant is present in population databases (no rsID available, gnomAD 0.002%). This missense change has been observed in individual(s) with spherocytosis (PMID: 28454995). ClinVar contains an entry for this variant (Variation ID: 800906). Invitae Evidence Modeling of protein sequence and biophysical properties (such as structural, functional, and spatial information, amino acid conservation, physicochemical variation, residue mobility, and thermodynamic stability) indicates that this missense variant is expected to disrupt SPTA1 protein function with a positive predictive value of 80%. In summary, the available evidence is currently insufficient to determine the role of this variant in disease. Therefore, it has been classified as a Variant of Uncertain Significance.

First Genomix Gene Laboratory, Genetic Diagnostics Department
Classification: Likely pathogenic for Pyropoikilocytosis, hereditary; Hereditary spherocytosis type 3. Last evaluated: 2025-06-17. Review status: criteria provided, single submitter. Criteria: ACMG Guidelines, 2015. Collection method: clinical testing. Allele origin: germline. Inheritance: Autosomal recessive inheritance. Affected: no. Observed: 1 variant allele.

Revvity Omics, Revvity
Classification: Uncertain significance. Last evaluated: 2023-11-02. Review status: criteria provided, single submitter. Criteria: ACMG Guidelines, 2015. Collection method: clinical testing. Allele origin: germline.

Blueprint Genetics
Classification: Uncertain significance. Last evaluated: 2021-11-19. Review status: criteria provided, single submitter. Criteria: ACMG Guidelines, 2015. Collection method: clinical testing. Allele origin: germline.

Biochemical Molecular Genetic Laboratory, King Abdulaziz Medical City
Classification: Likely pathogenic for Hereditary spherocytosis type 3. Last evaluated: 2019-09-26. Review status: no assertion criteria provided. Collection method: clinical testing. Allele origin: germline. Affected: yes. Not counted in ClinVar's aggregate classification.

Literature cited by the submitters: PubMed 28454995 (cited by Labcorp Genetics (formerly Invitae), Labcorp).

NM_003126.4(SPTA1):c.5263C>G (p.His1755Asp)

Gene: SPTA1 (spectrin alpha, erythrocytic 1; minus strand). Cytogenetic location: 1q23.1.
Variant type: single nucleotide variant.
Coding change: c.5263C>G on transcript NM_003126.4 (MANE Select); coding-DNA position 5263, C replaced by G.
Protein change: p.His1755Asp; replaces histidine 1755 with aspartic acid.
Molecular consequence: missense variant.
Genome position (GRCh38, 1-based): chr1:158,636,688, G>C on the plus strand (C>G on the coding strand, the complement: SPTA1 is on the minus strand). VCF-style: chr1-158636688-G-C. GRCh37 (hg19) VCF-style: chr1-158606478-G-C.
Other names: short protein forms H1755D.
Identifiers: ClinVar variation 800906 (VCV000800906.5), dbSNP rs377659326, ClinGen allele CA31264862.